The following is an entry in ClinVar:

NM_006431.3(CCT2):c.1021G>A (p.Val341Met)

Gene: CCT2 (chaperonin containing TCP1 subunit 2; plus strand). Cytogenetic location: 12q15.
Variant type: single nucleotide variant.
Coding change: c.1021G>A on transcript NM_006431.3 (MANE Select); coding-DNA position 1021, G replaced by A.
Protein change: p.Val341Met; replaces valine 341 with methionine.
Molecular consequence: missense variant.
Genome position (GRCh38, 1-based): chr12:69,597,194, G>A. VCF-style: chr12-69597194-G-A. GRCh37 (hg19) VCF-style: chr12-69990974-G-A.
Other names: c.880G>A, p.Val294Met (NM_001198842.2); short protein forms V294M, V341M.
Identifiers: ClinVar variation 1378185 (VCV001378185.6), dbSNP rs770956335, ClinGen allele CA6680756.

ClinVar aggregate classification (germline): Uncertain significance (1 of 4 stars; one submission).

Allele frequency attached by ClinVar (database versions not stated): TOPMed below 0.00001; ExAC 0.00001.
gnomAD v4.1: 7 of 1,613,944 alleles (0.00043%); highest among the groups gnomAD compares: Non-Finnish European, 0.00042%; no homozygotes.

Submission:

Labcorp Genetics (formerly Invitae), Labcorp
Classification: Uncertain significance. Last evaluated: 2022-07-05. Review status: criteria provided, single submitter. Criteria: Invitae Variant Classification Sherloc (09022015). Collection method: clinical testing. Allele origin: germline.
Comment: This variant has not been reported in the literature in individuals affected with CCT2-related conditions. This variant is present in population databases (rs770956335, gnomAD 0.0009%). ClinVar contains an entry for this variant (Variation ID: 1378185). In summary, the available evidence is currently insufficient to determine the role of this variant in disease. Therefore, it has been classified as a Variant of Uncertain Significance. Algorithms developed to predict the effect of missense changes on protein structure and function are either unavailable or do not agree on the potential impact of this missense change (SIFT: "Deleterious"; PolyPhen-2: "Possibly Damaging"; Align-GVGD: "Class C0"). This sequence change replaces valine, which is neutral and non-polar, with methionine, which is neutral and non-polar, at codon 341 of the CCT2 protein (p.Val341Met).